The following is an entry in ClinVar:

NM_005219.5(DIAPH1):c.3374A>G (p.Asp1125Gly)

Gene: DIAPH1 (diaphanous related formin 1; minus strand). Cytogenetic location: 5q31.3.
Variant type: single nucleotide variant.
Coding change: c.3374A>G on transcript NM_005219.5 (MANE Select); coding-DNA position 3374, A replaced by G.
Protein change: p.Asp1125Gly; replaces aspartic acid 1125 with glycine.
Molecular consequence: missense variant.
Genome position (GRCh38, 1-based): chr5:141,526,361, T>C on the plus strand (A>G on the coding strand, the complement: DIAPH1 is on the minus strand). VCF-style: chr5-141526361-T-C. GRCh37 (hg19) VCF-style: chr5-140905928-T-C.
Other names: c.3374A>G (NM_005219.4); c.3347A>G, p.Asp1116Gly (NM_001079812.3); c.3374A>G, p.Asp1125Gly (NM_001314007.2); short protein forms D1116G, D1125G.
Identifiers: ClinVar variation 1006010 (VCV001006010.10), dbSNP rs1490710264, ClinGen allele CA361578678.

ClinVar aggregate classification (germline): Uncertain significance. Review status: criteria provided, multiple submitters, no conflicts (2 of 4 stars). 2 submissions from 2 submitters: Uncertain significance (2). Last evaluated 2024-10-01.

Conditions:
Progressive microcephaly-seizures-cortical blindness-developmental delay syndrome. Also called: Seizures, cortical blindness, and microcephaly syndrome. Identifiers: Orphanet 477814, MedGen C5567650, MONDO:0014714, OMIM 616632.
Autosomal dominant nonsyndromic hearing loss 1. Also called: KONIGSMARK SYNDROME; DEAFNESS, AUTOSOMAL DOMINANT 1, WITH OR WITHOUT THROMBOCYTOPENIA. Identifiers: Orphanet 90635, MedGen C1852282, MONDO:0007424, OMIM 124900.
Inborn genetic diseases. Identifiers: MedGen C0950123, MeSH D030342.

Allele frequency attached by ClinVar (database versions not stated): TOPMed below 0.00001; gnomAD 0.00002.
gnomAD v4.1: 3 of 1,613,958 alleles (0.00019%); highest among the groups gnomAD compares: African/African-American, 0.004%; no homozygotes.

Submissions (2):

Ambry Genetics
Classification: Uncertain significance for Inborn genetic diseases. Last evaluated: 2024-10-01. Review status: criteria provided, single submitter. Criteria: Ambry Variant Classification Scheme 2023. Collection method: clinical testing. Allele origin: germline.

Labcorp Genetics (formerly Invitae), Labcorp
Classification: Uncertain significance for Progressive microcephaly-seizures-cortical blindness-developmental delay syndrome; Autosomal dominant nonsyndromic hearing loss 1. Last evaluated: 2022-11-15. Review status: criteria provided, single submitter. Criteria: Invitae Variant Classification Sherloc (09022015). Collection method: clinical testing. Allele origin: germline.
Comment: Algorithms developed to predict the effect of missense changes on protein structure and function (SIFT, PolyPhen-2, Align-GVGD) all suggest that this variant is likely to be disruptive. In summary, the available evidence is currently insufficient to determine the role of this variant in disease. Therefore, it has been classified as a Variant of Uncertain Significance. ClinVar contains an entry for this variant (Variation ID: 1006010). This variant has not been reported in the literature in individuals affected with DIAPH1-related conditions. This variant is present in population databases (no rsID available, gnomAD 0.02%). This sequence change replaces aspartic acid, which is acidic and polar, with glycine, which is neutral and non-polar, at codon 1125 of the DIAPH1 protein (p.Asp1125Gly).